The following is an entry in ClinVar:

ClinVar aggregate classification (germline): Uncertain significance. Review status: criteria provided, multiple submitters, no conflicts (2 of 4 stars). 2 submissions from 2 submitters: Uncertain significance (2). Last evaluated 2025-12-04.

Conditions:
Inborn genetic diseases. Identifiers: MedGen C0950123, MeSH D030342.

Allele frequency attached by ClinVar (database versions not stated): gnomAD exomes below 0.00001; TOPMed below 0.00001.
gnomAD v4.1: 5 of 1,551,576 alleles (0.00032%); highest among the groups gnomAD compares: African/African-American, 0.0027%; no homozygotes.

Submissions (2):

Ambry Genetics
Classification: Uncertain significance for Inborn genetic diseases. Last evaluated: 2025-12-04. Review status: criteria provided, single submitter. Criteria: Ambry Variant Classification Scheme 2023. Collection method: clinical testing. Allele origin: germline.

Labcorp Genetics (formerly Invitae), Labcorp
Classification: Uncertain significance. Last evaluated: 2021-05-28. Review status: criteria provided, single submitter. Criteria: Invitae Variant Classification Sherloc (09022015). Collection method: clinical testing. Allele origin: germline.
Comment: This sequence change replaces glutamic acid with valine at codon 1152 of the LOXHD1 protein (p.Glu1152Val). The glutamic acid residue is moderately conserved and there is a moderate physicochemical difference between glutamic acid and valine. This variant is not present in population databases (ExAC no frequency). This variant has not been reported in the literature in individuals with LOXHD1-related conditions. Algorithms developed to predict the effect of missense changes on protein structure and function (SIFT, PolyPhen-2, Align-GVGD) all suggest that this variant is likely to be disruptive, but these predictions have not been confirmed by published functional studies and their clinical significance is uncertain. In summary, the available evidence is currently insufficient to determine the role of this variant in disease. Therefore, it has been classified as a Variant of Uncertain Significance.

NM_001384474.1(LOXHD1):c.3455A>T (p.Glu1152Val)

Gene: LOXHD1 (lipoxygenase homology PLAT domains 1; minus strand). Cytogenetic location: 18q21.1.
Variant type: single nucleotide variant.
Coding change: c.3455A>T on transcript NM_001384474.1 (MANE Select); coding-DNA position 3455, A replaced by T.
Protein change: p.Glu1152Val; replaces glutamic acid 1152 with valine.
Molecular consequence: missense variant. On other transcripts: 5 prime UTR variant (1).
Genome position (GRCh38, 1-based): chr18:46,546,954, T>A on the plus strand (A>T on the coding strand, the complement: LOXHD1 is on the minus strand). VCF-style: chr18-46546954-T-A. GRCh37 (hg19) VCF-style: chr18-44126917-T-A.
Other names: c.122A>T, p.Glu41Val (NM_001145472.3); c.-167A>T (NM_001308013.2); c.3455A>T, p.Glu1152Val (NM_144612.7); c.3455A>T (NM_144612.6); short protein forms E1152V, E41V.
Identifiers: ClinVar variation 2147603 (VCV002147603.2), dbSNP rs1291990769, ClinGen allele CA402367023.